The following is an entry in ClinVar:

NM_130797.4(DPP6):c.1914T>G (p.Ala638=)

Gene: DPP6 (dipeptidyl peptidase like 6; plus strand). Cytogenetic location: 7q36.2.
Variant type: single nucleotide variant.
Coding change: c.1914T>G on transcript NM_130797.4 (MANE Select); coding-DNA position 1914, T replaced by G.
Protein change: p.Ala638=; no amino-acid change (alanine 638 retained).
Molecular consequence: synonymous variant. On other transcripts: non-coding transcript variant (2).
Genome position (GRCh38, 1-based): chr7:154,875,936, T>G. VCF-style: chr7-154875936-T-G. GRCh37 (hg19) VCF-style: chr7-154667646-T-G.
Other names: c.1722T>G, p.Ala574= (NM_001039350.3); c.1593T>G, p.Ala531= (NM_001290252.2); c.1731T>G, p.Ala577= (NM_001364497.2, NM_001364498.2, NM_001364499.2 and 1 more transcripts); c.1728T>G, p.Ala576= (NM_001936.5).
Identifiers: ClinVar variation 2673138 (VCV002673138.23), dbSNP rs2486917686, ClinGen allele CA458714829.

ClinVar aggregate classification (germline): Likely benign (1 of 4 stars; one submission).

Submission:

CeGaT Center for Human Genetics Tuebingen
Classification: Likely benign. Last evaluated: 2024-10-01. Review status: criteria provided, single submitter. Criteria: CeGaT Center For Human Genetics Tuebingen Variant Classification Criteria Version 2. Collection method: clinical testing. Allele origin: germline. Affected: yes. Observed: 2 variant alleles.
Comment: DPP6: BP4, BP7